The following is an entry in ClinVar:

NM_006180.6(NTRK2):c.65T>C (p.Val22Ala)

Gene: NTRK2 (neurotrophic receptor tyrosine kinase 2; plus strand). Cytogenetic location: 9q21.33.
Variant type: single nucleotide variant.
Coding change: c.65T>C on transcript NM_006180.6 (MANE Select); coding-DNA position 65, T replaced by C.
Protein change: p.Val22Ala; replaces valine 22 with alanine.
Molecular consequence: missense variant.
Genome position (GRCh38, 1-based): chr9:84,670,813, T>C. VCF-style: chr9-84670813-T-C. GRCh37 (hg19) VCF-style: chr9-87285728-T-C.
Other names: c.65T>C (NM_006180.4); c.65T>C, p.Val22Ala (NM_001007097.3, NM_001018064.3, NM_001018065.2 and 18 more transcripts); short protein forms V22A.
Identifiers: ClinVar variation 1346882 (VCV001346882.7), dbSNP rs772667595, ClinGen allele CA5105399.
Genomic context (GRCh38, chr9:84,670,813, plus strand): 5'-CGTCCTGGATAAGGTGGCATGGACCCGCCATGGCGCGGCTCTGGGGCTTCTGCTGGCTGG[T>C]TGTGGGCTTCTGGAGGGCCGCTTTCGCCTGTCCCACGTCCTGCAAATGCAGTGCCTCTCG-3'
Protein context (NP_006171.2, residues 12-32): MARLWGFCWL[Val22Ala]VGFWRAAFAC

ClinVar aggregate classification (germline): Uncertain significance. Review status: criteria provided, multiple submitters, no conflicts (2 of 4 stars). 2 submissions from 2 submitters: Uncertain significance (2). Last evaluated 2026-02-16.

Conditions:
NTRK2-related disorder. Also called: NTRK2-related condition.

Allele frequency attached by ClinVar (database versions not stated): gnomAD exomes 0.00002 and 0.00005; ExAC 0.00005.
gnomAD v4.1: 15 of 1,614,026 alleles (0.00093%); highest among the groups gnomAD compares: Admixed American, 0.018%; no homozygotes.

Submissions (2):

PreventionGenetics, part of Exact Sciences
Classification: Uncertain significance for NTRK2-related condition. Last evaluated: 2026-02-16. Review status: criteria provided, single submitter. Criteria: ACMG Guidelines, 2015. Collection method: clinical testing. Allele origin: germline.
Comment: The NTRK2 c.65T>C variant is predicted to result in the amino acid substitution p.Val22Ala. To our knowledge, this variant has not been reported in the literature. This variant is reported in 0.020% of alleles in individuals of Latino descent in gnomAD, which may be too common to be a primary cause of disease. Although we suspect that this variant may be benign, at this time, the clinical significance of this variant is uncertain due to the absence of conclusive functional and genetic evidence.

Labcorp Genetics (formerly Invitae), Labcorp
Classification: Uncertain significance. Last evaluated: 2025-12-11. Review status: criteria provided, single submitter. Criteria: Invitae Variant Classification Sherloc (09022015). Collection method: clinical testing. Allele origin: germline.
Comment: This sequence change replaces valine, which is neutral and non-polar, with alanine, which is neutral and non-polar, at codon 22 of the NTRK2 protein (p.Val22Ala). This variant is present in population databases (rs772667595, gnomAD 0.02%). This variant has not been reported in the literature in individuals affected with NTRK2-related conditions. ClinVar contains an entry for this variant (Variation ID: 1346882). An algorithm developed to predict the effect of missense changes on protein structure and function outputs the following: PolyPhen-2: "Benign". The alanine amino acid residue is found in multiple mammalian species, which suggests that this missense change does not adversely affect protein function. In summary, the available evidence is currently insufficient to determine the role of this variant in disease. Therefore, it has been classified as a Variant of Uncertain Significance.